The following is an entry in ClinVar:

ClinVar aggregate classification (germline): Conflicting classifications of pathogenicity. Review status: criteria provided, conflicting classifications (1 of 4 stars). 2 submissions from 2 submitters: Uncertain significance (1); Likely benign (1). Last evaluated 2022-08-17.

Conditions:
Inborn genetic diseases. Identifiers: MedGen C0950123, MeSH D030342.

Allele frequency attached by ClinVar (database versions not stated): gnomAD 0.00001; ExAC 0.00002; gnomAD exomes 0.00002; TOPMed 0.00003.
gnomAD v4.1: 31 of 1,612,858 alleles (0.0019%); highest among the groups gnomAD compares: East Asian, 0.011%; no homozygotes.

Submissions (2):

Ambry Genetics
Classification: Likely benign for Inborn genetic diseases. Last evaluated: 2022-08-17. Review status: criteria provided, single submitter. Criteria: Ambry Variant Classification Scheme 2023. Collection method: clinical testing. Allele origin: germline.

Labcorp Genetics (formerly Invitae), Labcorp
Classification: Uncertain significance. Last evaluated: 2022-01-12. Review status: criteria provided, single submitter. Criteria: Invitae Variant Classification Sherloc (09022015). Collection method: clinical testing. Allele origin: germline.
Comment: This sequence change replaces arginine, which is basic and polar, with glutamine, which is neutral and polar, at codon 327 of the FRAS1 protein (p.Arg327Gln). The frequency data for this variant in the population databases is considered unreliable, as metrics indicate poor data quality at this position in the gnomAD database. This variant has not been reported in the literature in individuals affected with FRAS1-related conditions. Algorithms developed to predict the effect of missense changes on protein structure and function output the following: SIFT: "Tolerated"; PolyPhen-2: "Benign"; Align-GVGD: "Class C0". The glutamine amino acid residue is found in multiple mammalian species, which suggests that this missense change does not adversely affect protein function. In summary, the available evidence is currently insufficient to determine the role of this variant in disease. Therefore, it has been classified as a Variant of Uncertain Significance.

NM_025074.7(FRAS1):c.980G>A (p.Arg327Gln)

Gene: FRAS1 (Fraser extracellular matrix complex subunit 1; plus strand). Cytogenetic location: 4q21.21.
Variant type: single nucleotide variant.
Coding change: c.980G>A on transcript NM_025074.7 (MANE Select); coding-DNA position 980, G replaced by A.
Protein change: p.Arg327Gln; replaces arginine 327 with glutamine.
Molecular consequence: missense variant.
Genome position (GRCh38, 1-based): chr4:78,267,431, G>A. VCF-style: chr4-78267431-G-A. GRCh37 (hg19) VCF-style: chr4-79188585-G-A.
Other names: c.980G>A, p.Arg327Gln (NM_001166133.2); short protein forms R327Q.
Identifiers: ClinVar variation 1916769 (VCV001916769.3), dbSNP rs758714256, ClinGen allele CA2976125.